The following is an entry in ClinVar:

NM_000455.5(STK11):c.231C>T (p.Val77=)

Gene: STK11 (serine/threonine kinase 11; plus strand). Cytogenetic location: 19p13.3.
Variant type: single nucleotide variant.
Coding change: c.231C>T on transcript NM_000455.5 (MANE Select); coding-DNA position 231, C replaced by T.
Protein change: p.Val77=; no amino-acid change (valine 77 retained).
Molecular consequence: synonymous variant. On other transcripts: non-coding transcript variant (1).
Genome position (GRCh38, 1-based): chr19:1,207,144, C>T. VCF-style: chr19-1207144-C-T. GRCh37 (hg19) VCF-style: chr19-1207143-C-T.
Other names: c.231C>T, p.Val77= (NM_001407255.1).
Identifiers: ClinVar variation 3904073 (VCV003904073.1).

ClinVar aggregate classification (germline): Benign (1 of 4 stars; one submission).

Conditions:
Peutz-Jeghers syndrome (PJS). Also called: POLYPOSIS, HAMARTOMATOUS INTESTINAL; POLYPS-AND-SPOTS SYNDROME; Peutz-Jeghers polyposis; Periorificial lentiginosis syndrome. Identifiers: Orphanet 2869, MedGen C0031269, MeSH D010580, MONDO:0008280, OMIM 175200.

Submission:

Myriad Genetics, Inc.
Classification: Benign for Peutz-Jeghers syndrome. Last evaluated: 2025-03-25. Review status: criteria provided, single submitter. Criteria: Myriad Autosomal Dominant, Autosomal Recessive and X-Linked Classification Criteria (2023). Collection method: clinical testing. Allele origin: unknown.
Comment: This variant is considered benign. This variant is a silent/synonymous amino acid change and it is not expected to impact splicing.